The following is an entry in ClinVar:

NM_001145358.2(SIN3A):c.3070T>C (p.Tyr1024His)

Gene: SIN3A (SIN3 transcription regulator family member A; minus strand). Cytogenetic location: 15q24.2.
Variant type: single nucleotide variant.
Coding change: c.3070T>C on transcript NM_001145358.2 (MANE Select); coding-DNA position 3070, T replaced by C.
Protein change: p.Tyr1024His; replaces tyrosine 1024 with histidine.
Molecular consequence: missense variant.
Genome position (GRCh38, 1-based): chr15:75,384,389, A>G on the plus strand (T>C on the coding strand, the complement: SIN3A is on the minus strand). VCF-style: chr15-75384389-A-G. GRCh37 (hg19) VCF-style: chr15-75676730-A-G.
Other names: c.3070T>C, p.Tyr1024His (NM_001145357.2, NM_001437462.1, NM_001437463.1 and 1 more transcripts); short protein forms Y1024H.
Identifiers: ClinVar variation 4699397 (VCV004699397.1).

ClinVar aggregate classification (germline): Uncertain significance (1 of 4 stars; one submission).

Submission:

Labcorp Genetics (formerly Invitae), Labcorp
Classification: Uncertain significance. Last evaluated: 2025-07-23. Review status: criteria provided, single submitter. Criteria: Invitae Variant Classification Sherloc (09022015). Collection method: clinical testing. Allele origin: germline.
Comment: This sequence change replaces tyrosine, which is neutral and polar, with histidine, which is basic and polar, at codon 1024 of the SIN3A protein (p.Tyr1024His). This variant is not present in population databases (gnomAD no frequency). This variant has not been reported in the literature in individuals affected with SIN3A-related conditions. Invitae Evidence Modeling of protein sequence and biophysical properties (such as structural, functional, and spatial information, amino acid conservation, physicochemical variation, residue mobility, and thermodynamic stability) indicates that this missense variant is not expected to disrupt SIN3A protein function with a negative predictive value of 80%. In summary, the available evidence is currently insufficient to determine the role of this variant in disease. Therefore, it has been classified as a Variant of Uncertain Significance.